The following is an entry in ClinVar:

NM_005585.5(SMAD6):c.170G>T (p.Arg57Leu)

Gene: SMAD6 (SMAD family member 6; plus strand). Cytogenetic location: 15q22.31.
Variant type: single nucleotide variant.
Coding change: c.170G>T on transcript NM_005585.5 (MANE Select); coding-DNA position 170, G replaced by T.
Protein change: p.Arg57Leu; replaces arginine 57 with leucine.
Molecular consequence: missense variant. On other transcripts: non-coding transcript variant (1).
Genome position (GRCh38, 1-based): chr15:66,703,428, G>T. VCF-style: chr15-66703428-G-T. GRCh37 (hg19) VCF-style: chr15-66995766-G-T.
Other names: short protein forms R57L.
Identifiers: ClinVar variation 1778536 (VCV001778536.2), dbSNP rs1428295015, ClinGen allele CA392948794.

ClinVar aggregate classification (germline): Uncertain significance (1 of 4 stars; one submission).

Conditions:
Inborn genetic diseases. Identifiers: MedGen C0950123, MeSH D030342.

Allele frequency attached by ClinVar (database versions not stated): TOPMed below 0.00001.

Submission:

Ambry Genetics
Classification: Uncertain significance for Inborn genetic diseases. Last evaluated: 2022-03-04. Review status: criteria provided, single submitter. Criteria: Ambry Variant Classification Scheme 2023. Collection method: clinical testing. Allele origin: germline.
Comment: The p.R57L variant (also known as c.170G>T), located in coding exon 1 of the SMAD6 gene, results from a G to T substitution at nucleotide position 170. The arginine at codon 57 is replaced by leucine, an amino acid with dissimilar properties. This amino acid position is conserved. In addition, this alteration is predicted to be tolerated by in silico analysis. Since supporting evidence is limited at this time, the clinical significance of this alteration remains unclear.